The following is an entry in ClinVar:

ClinVar aggregate classification (germline): Uncertain significance (1 of 4 stars; one submission).

Conditions:
Hypercoagulability syndrome due to glycosylphosphatidylinositol deficiency (GPIBD1). Also called: GLYCOSYLPHOSPHATIDYLINOSITOL BIOSYNTHESIS DEFECT 1. Identifiers: Orphanet 83639, MedGen C5201145, MONDO:0012465, OMIM 610293.

gnomAD v4.1: 1 of 1,614,158 alleles (0.000062%); highest among the groups gnomAD compares: Non-Finnish European, 0.000085%; no homozygotes.

Submission:

Labcorp Genetics (formerly Invitae), Labcorp
Classification: Uncertain significance for Hypercoagulability syndrome due to glycosylphosphatidylinositol deficiency. Last evaluated: 2025-02-25. Review status: criteria provided, single submitter. Criteria: Invitae Variant Classification Sherloc (09022015). Collection method: clinical testing. Allele origin: germline.
Comment: This sequence change affects codon 73 of the PIGM mRNA. It is a 'silent' change, meaning that it does not change the encoded amino acid sequence of the PIGM protein. This variant is present in population databases (rs751888594, gnomAD 0.0009%). This variant has not been reported in the literature in individuals affected with PIGM-related conditions. In summary, the available evidence is currently insufficient to determine the role of this variant in disease. Therefore, it has been classified as a Variant of Uncertain Significance.

NM_145167.3(PIGM):c.219G>C (p.Thr73=)

Gene: PIGM (phosphatidylinositol glycan anchor biosynthesis class M; minus strand). Cytogenetic location: 1q23.2.
Variant type: single nucleotide variant.
Coding change: c.219G>C on transcript NM_145167.3 (MANE Select); coding-DNA position 219, G replaced by C.
Protein change: p.Thr73=; no amino-acid change (threonine 73 retained).
Molecular consequence: synonymous variant.
Genome position (GRCh38, 1-based): chr1:160,031,521, C>G on the plus strand (G>C on the coding strand, the complement: PIGM is on the minus strand). VCF-style: chr1-160031521-C-G. GRCh37 (hg19) VCF-style: chr1-160001311-C-G.
Identifiers: ClinVar variation 4711782 (VCV004711782.1).